The following is an entry in ClinVar:

ClinVar aggregate classification (germline): Uncertain significance. Review status: criteria provided, multiple submitters, no conflicts (2 of 4 stars). 3 submissions from 3 submitters: Uncertain significance (3). Last evaluated 2025-06-04.

Conditions:
Familial thoracic aortic aneurysm and aortic dissection (TAAD). Also called: Thoracic aortic aneurysms and dissections. Identifiers: Orphanet 91387, MedGen C4707243, MONDO:0019625.
Ehlers-Danlos syndrome, kyphoscoliotic type 1 (EDSKSCL1). Also called: EHLERS-DANLOS SYNDROME, TYPE VIA; PLOD1-Related Kyphoscoliotic Ehlers-Danlos Syndrome; EHLERS-DANLOS SYNDROME, OCULAR-SCOLIOTIC TYPE; Ehlers-Danlos syndrome, hydroxylysine-deficient. Identifiers: Orphanet 1900, MedGen C0268342, MONDO:0016002, OMIM 225400. Disease mechanism: loss of function.

Allele frequency attached by ClinVar (database versions not stated): gnomAD exomes below 0.00001.
gnomAD v4.1: 5 of 1,613,062 alleles (0.00031%); highest among the groups gnomAD compares: South Asian, 0.0011%; no homozygotes.

Submissions (3):

GeneDx
Classification: Uncertain significance. Last evaluated: 2025-06-04. Review status: criteria provided, single submitter. Criteria: GeneDx Variant Classification Process June 2021. Collection method: clinical testing. Allele origin: germline. Affected: yes.
Comment: Not observed at significant frequency in large population cohorts (gnomAD); In silico analysis supports that this missense variant has a deleterious effect on protein structure/function; Has not been previously published as pathogenic or benign to our knowledge

Ambry Genetics
Classification: Uncertain significance for Familial thoracic aortic aneurysm and aortic dissection. Last evaluated: 2024-03-31. Review status: criteria provided, single submitter. Criteria: Ambry Variant Classification Scheme 2023. Collection method: clinical testing. Allele origin: germline.
Comment: The p.Y450C variant (also known as c.1349A>G), located in coding exon 13 of the PLOD1 gene, results from an A to G substitution at nucleotide position 1349. The tyrosine at codon 450 is replaced by cysteine, an amino acid with highly dissimilar properties. This amino acid position is conserved. In addition, this alteration is predicted to be deleterious by in silico analysis. Based on the available evidence, the clinical significance of this alteration remains unclear.

Labcorp Genetics (formerly Invitae), Labcorp
Classification: Uncertain significance for Ehlers-Danlos syndrome, kyphoscoliotic type 1. Last evaluated: 2021-08-27. Review status: criteria provided, single submitter. Criteria: Invitae Variant Classification Sherloc (09022015). Collection method: clinical testing. Allele origin: germline.
Comment: This sequence change replaces tyrosine with cysteine at codon 450 of the PLOD1 protein (p.Tyr450Cys). The tyrosine residue is highly conserved and there is a large physicochemical difference between tyrosine and cysteine. This variant is not present in population databases (ExAC no frequency). This variant has not been reported in the literature in individuals affected with PLOD1-related conditions. Algorithms developed to predict the effect of missense changes on protein structure and function (SIFT, PolyPhen-2, Align-GVGD) all suggest that this variant is likely to be disruptive. In summary, the available evidence is currently insufficient to determine the role of this variant in disease. Therefore, it has been classified as a Variant of Uncertain Significance.

NM_000302.4(PLOD1):c.1349A>G (p.Tyr450Cys)

Gene: PLOD1 (procollagen-lysine,2-oxoglutarate 5-dioxygenase 1; plus strand). Cytogenetic location: 1p36.22.
Variant type: single nucleotide variant.
Coding change: c.1349A>G on transcript NM_000302.4 (MANE Select); coding-DNA position 1349, A replaced by G.
Protein change: p.Tyr450Cys; replaces tyrosine 450 with cysteine.
Molecular consequence: missense variant.
Genome position (GRCh38, 1-based): chr1:11,964,664, A>G. VCF-style: chr1-11964664-A-G. GRCh37 (hg19) VCF-style: chr1-12024721-A-G.
Other names: c.1490A>G, p.Tyr497Cys (NM_001316320.2); c.1349A>G (NM_000302.3); short protein forms Y450C, Y497C.
Identifiers: ClinVar variation 645631 (VCV000645631.10), dbSNP rs1264798278, ClinGen allele CA338443117.